The following is an entry in ClinVar:

ClinVar aggregate classification (germline): Uncertain significance (1 of 4 stars; one submission).

Conditions:
SMARCA5-related disorder. Also called: SMARCA5-Related Disorders; SMARCA5-related condition.

gnomAD v4.1: 1 of 1,614,122 alleles (0.000062%); highest among the groups gnomAD compares: Admixed American, 0.0017%; no homozygotes.

Submission:

Clinical Genomics Laboratory, Washington University in St. Louis
Classification: Uncertain significance for SMARCA5-related disorder. Last evaluated: 2026-01-16. Review status: criteria provided, single submitter. Criteria: ACMG Guidelines, 2015. Collection method: clinical testing. Allele origin: germline.
Comment: The SMARCA5 c.1700A>G (p.Asn567Ser) variant, to our knowledge, has not been reported in the medical literature. This variant is absent from the general population (gnomAD v2.1.1), indicating it is not a common variant. Computational predictors indicate that the variant is damaging, evidence that correlates with impact to SMARCA5 function. Due to limited information, and based on ACMG/AMP guidelines for variant interpretation (Richards S et al., PMID: 25741868), the clinical significance of this variant is uncertain at this time.

Literature cited by the submitters: PubMed 33980485.

NM_003601.4(SMARCA5):c.1700A>G (p.Asn567Ser)

Gene: SMARCA5 (SNF2 related chromatin remodeling ATPase 5; plus strand). Cytogenetic location: 4q31.21.
Variant type: single nucleotide variant.
Coding change: c.1700A>G on transcript NM_003601.4 (MANE Select); coding-DNA position 1700, A replaced by G.
Protein change: p.Asn567Ser; replaces asparagine 567 with serine.
Molecular consequence: missense variant.
Genome position (GRCh38, 1-based): chr4:143,538,868, A>G. VCF-style: chr4-143538868-A-G. GRCh37 (hg19) VCF-style: chr4-144460021-A-G.
Other names: short protein forms N567S.
Identifiers: ClinVar variation 4879217 (VCV004879217.1).